The following is an entry in ClinVar:

ClinVar aggregate classification (germline): Uncertain significance (1 of 4 stars; one submission).

Submission:

Labcorp Genetics (formerly Invitae), Labcorp
Classification: Uncertain significance. Last evaluated: 2022-10-21. Review status: criteria provided, single submitter. Criteria: Invitae Variant Classification Sherloc (09022015). Collection method: clinical testing. Allele origin: germline.
Comment: This sequence change replaces aspartic acid, which is acidic and polar, with valine, which is neutral and non-polar, at codon 1823 of the HIVEP2 protein (p.Asp1823Val). This variant is not present in population databases (gnomAD no frequency). In summary, the available evidence is currently insufficient to determine the role of this variant in disease. Therefore, it has been classified as a Variant of Uncertain Significance. Advanced modeling of protein sequence and biophysical properties (such as structural, functional, and spatial information, amino acid conservation, physicochemical variation, residue mobility, and thermodynamic stability) performed at Invitae indicates that this missense variant is expected to disrupt HIVEP2 protein function. This variant has not been reported in the literature in individuals affected with HIVEP2-related conditions.

NM_006734.4(HIVEP2):c.5468A>T (p.Asp1823Val)

Gene: HIVEP2 (HIVEP zinc finger 2; minus strand). Cytogenetic location: 6q24.2.
Variant type: single nucleotide variant.
Coding change: c.5468A>T on transcript NM_006734.4 (MANE Select); coding-DNA position 5468, A replaced by T.
Protein change: p.Asp1823Val; replaces aspartic acid 1823 with valine.
Molecular consequence: missense variant.
Genome position (GRCh38, 1-based): chr6:142,764,849, T>A on the plus strand (A>T on the coding strand, the complement: HIVEP2 is on the minus strand). VCF-style: chr6-142764849-T-A. GRCh37 (hg19) VCF-style: chr6-143085986-T-A.
Other names: short protein forms D1823V.
Identifiers: ClinVar variation 1721985 (VCV001721985.5), dbSNP rs2482795905, ClinGen allele CA365891279.